The following is an entry in ClinVar:

ClinVar aggregate classification (germline): Uncertain significance. Review status: criteria provided, multiple submitters, no conflicts (2 of 4 stars). 3 submissions from 3 submitters: Uncertain significance (3). Last evaluated 2022-12-07.

Conditions:
Rhabdoid tumor predisposition syndrome 2 (RTPS2). Identifiers: Orphanet 231108, Orphanet 69077, MedGen C2750074, MONDO:0013224, OMIM 613325.
Hereditary cancer-predisposing syndrome. Also called: Hereditary Cancer Syndrome; Hereditary neoplastic syndrome; Neoplastic Syndromes, Hereditary; Tumor predisposition. Identifiers: Orphanet 140162, MedGen C0027672, MeSH D009386, MONDO:0015356.

Submissions (3):

Blueprint Genetics
Classification: Uncertain significance. Last evaluated: 2022-12-07. Review status: criteria provided, single submitter. Criteria: ACMG Guidelines, 2015. Collection method: clinical testing. Allele origin: germline.

Ambry Genetics
Classification: Uncertain significance for Hereditary cancer-predisposing syndrome. Last evaluated: 2022-07-01. Review status: criteria provided, single submitter. Criteria: Ambry Variant Classification Scheme 2023. Collection method: clinical testing. Allele origin: germline.
Comment: The c.4935_4944del10 variant, located in coding exon 34 of the SMARCA4 gene, results from a deletion of 10 nucleotides at nucleotide positions 4935 to 4944, causing a translational frameshift with a predicted alternate stop codon (p.R1646Afs*10). This alteration occurs at the 3' terminus of theSMARCA4 gene, is not expected to trigger nonsense-mediated mRNAdecay, and only impacts the last 34 amino acids of the protein. The exact functional effect of this alteration is unknown. Loss-of-function variants in SMARCA4 are known to cause rhabdoid tumor predisposition syndrome including small cell carcinoma of the ovary-hypercalcemic type (SCCOHT); however, such associations with neurodevelopmental disorders are exceedingly rare (Kosho T et al. Am J Med Genet C Semin Med Genet. 2014 Sep;166C(3):262-75; Jelinic P et al. Nat Genet. 2014 May;46(5):424-6). Based on the supporting evidence, the association of this alteration with rhabdoid tumor predisposition syndrome is unknown; however, the association of this alteration with Coffin-Siris syndrome is unlikely.

Labcorp Genetics (formerly Invitae), Labcorp
Classification: Uncertain significance for Rhabdoid tumor predisposition syndrome 2. Last evaluated: 2022-05-21. Review status: criteria provided, single submitter. Criteria: Invitae Variant Classification Sherloc (09022015). Collection method: clinical testing. Allele origin: germline.
Comment: In summary, the available evidence is currently insufficient to determine the role of this variant in disease. Therefore, it has been classified as a Variant of Uncertain Significance. This variant has not been reported in the literature in individuals affected with SMARCA4-related conditions. This variant is not present in population databases (gnomAD no frequency). This sequence change creates a premature translational stop signal (p.Arg1646Alafs*10) in the SMARCA4 gene. While this is not anticipated to result in nonsense mediated decay, it is expected to disrupt the last 34 amino acid(s) of the SMARCA4 protein.

NM_003072.5(SMARCA4):c.4839_4848del (p.Arg1614fs)

Gene: SMARCA4 (SWI/SNF related BAF chromatin remodeling complex subunit ATPase 4; plus strand). Cytogenetic location: 19p13.2.
Variant type: Deletion.
Coding change: c.4839_4848del on transcript NM_003072.5 (MANE Select); coding-DNA positions 4839 to 4848, 10 bases deleted (GCGGCGGCCG; older notation c.4839_4848delGCGGCGGCCG).
Protein change: p.Arg1614fs; shifts the reading frame from arginine 1614.
Molecular consequence: frameshift variant. On other transcripts: non-coding transcript variant (1).
Genome position (GRCh38, 1-based): chr19:11,060,115-11,060,124, GCGGCGGCCG deleted; deleting any 10 consecutive bases within chr19:11,060,107-11,060,124 gives the same sequence; the c. name uses the placement nearest the transcript's 3' end. VCF-style (leftmost placement, unchanged base first): chr19-11060106-GGGCGGCCGGC-G. GRCh37 (hg19) VCF-style: chr19-11170782-GGGCGGCCGGC-G.
Other names: c.4839_4848del, p.Arg1614fs (NM_001128844.3); c.4749_4758del, p.Arg1584fs (NM_001128845.2); c.4746_4755del, p.Arg1583fs (NM_001128846.2); c.4740_4749del, p.Arg1581fs (NM_001128847.4, NM_001374457.1); c.4737_4746del, p.Arg1580fs (NM_001128848.2); c.4935_4944del, p.Arg1646fs (NM_001128849.3, NM_001387283.1); c.4836_4845delGCGGCGGCCG, p.Arg1613Alafs (NM_001411150.1); short protein forms R1583fs, R1646fs, R1580fs, R1584fs, R1581fs, R1614fs.
Identifiers: ClinVar variation 1744218 (VCV001744218.8), dbSNP rs2515820402, ClinGen allele CA2580096377.